The following is an entry in ClinVar:

NM_000701.8(ATP1A1):c.12+719del

Gene: ATP1A1 (ATPase Na+/K+ transporting subunit alpha 1; plus strand). Cytogenetic location: 1p13.1.
Variant type: Deletion.
Coding change: c.12+719del on transcript NM_000701.8 (MANE Select); 719 bases into the intron after coding-DNA position 12, one base deleted (G; older notation c.12+719delG).
Molecular consequence: intron variant. On other transcripts: splice donor variant (1).
Genome position (GRCh38, 1-based): chr1:116,374,242, G deleted; the last of 2 consecutive G bases (chr1:116,374,241-116,374,242); deleting either gives the same sequence. VCF-style (leftmost placement, unchanged base first): chr1-116374240-AG-A. GRCh37 (hg19) VCF-style: chr1-116916862-AG-A.
Other names: c.12+1del (NM_001160233.2).
Identifiers: ClinVar variation 3372326 (VCV003372326.1).

ClinVar aggregate classification (germline): Uncertain significance (1 of 4 stars; one submission).

Submission:

GeneDx
Classification: Uncertain significance. Last evaluated: 2024-04-13. Review status: criteria provided, single submitter. Criteria: GeneDx Variant Classification Process June 2021. Collection method: clinical testing. Allele origin: germline. Affected: yes.
Comment: Canonical splice site variant in a gene or region of a gene for which loss of function is not a well-established mechanism of disease; Has not been previously published as pathogenic or benign to our knowledge; Reported using an alternate transcript of the gene; Not observed at significant frequency in large population cohorts (gnomAD)